The following is an entry in ClinVar:

NM_001367624.2(ZNF469):c.3565C>T (p.Pro1189Ser)

Gene: ZNF469 (zinc finger protein 469; plus strand). Cytogenetic location: 16q24.2.
Variant type: single nucleotide variant.
Coding change: c.3565C>T on transcript NM_001367624.2 (MANE Select); coding-DNA position 3565, C replaced by T.
Protein change: p.Pro1189Ser; replaces proline 1189 with serine.
Molecular consequence: missense variant.
Genome position (GRCh38, 1-based): chr16:88,431,035, C>T. VCF-style: chr16-88431035-C-T. GRCh37 (hg19) VCF-style: chr16-88497443-C-T.
Other names: NM_001127464.1:c.3481C>T; short protein forms P1189S.
Identifiers: ClinVar variation 1304856 (VCV001304856.4), dbSNP rs766878740, ClinGen allele CA397085116.

ClinVar aggregate classification (germline): Uncertain significance. Review status: criteria provided, multiple submitters, no conflicts (2 of 4 stars). 2 submissions from 2 submitters: Uncertain significance (2). Last evaluated 2024-04-23.

Conditions:
Cardiovascular phenotype. Identifiers: MedGen CN230736.

gnomAD v4.1: 4 of 1,546,846 alleles (0.00026%); highest among the groups gnomAD compares: African/African-American, 0.0014%; no homozygotes.

Submissions (2):

GeneDx
Classification: Uncertain significance. Last evaluated: 2024-04-23. Review status: criteria provided, single submitter. Criteria: GeneDx Variant Classification Process June 2021. Collection method: clinical testing. Allele origin: germline. Affected: yes.
Comment: Has not been previously published as pathogenic or benign to our knowledge; In silico analysis indicates that this missense variant does not alter protein structure/function; Not observed at significant frequency in large population cohorts (gnomAD)

Ambry Genetics
Classification: Uncertain significance for Cardiovascular phenotype. Last evaluated: 2024-03-04. Review status: criteria provided, single submitter. Criteria: Ambry Variant Classification Scheme 2023. Collection method: clinical testing. Allele origin: germline.
Comment: The p.P1161S variant (also known as c.3481C>T), located in coding exon 2 of the ZNF469 gene, results from a C to T substitution at nucleotide position 3481. The proline at codon 1161 is replaced by serine, an amino acid with similar properties. This amino acid position is conserved. In addition, this alteration is predicted to be tolerated by in silico analysis. Based on the available evidence, the clinical significance of this alteration remains unclear.